The following is an entry in ClinVar:

ClinVar aggregate classification (germline): Uncertain significance (1 of 4 stars; one submission).

Submission:

Labcorp Genetics (formerly Invitae), Labcorp
Classification: Uncertain significance. Last evaluated: 2024-10-29. Review status: criteria provided, single submitter. Criteria: Invitae Variant Classification Sherloc (09022015). Collection method: clinical testing. Allele origin: germline.
Comment: This sequence change falls in intron 11 of the ACTN1 gene. It does not directly change the encoded amino acid sequence of the ACTN1 protein. It affects a nucleotide within the consensus splice site. This variant is not present in population databases (gnomAD no frequency). This variant has not been reported in the literature in individuals affected with ACTN1-related conditions. ClinVar contains an entry for this variant (Variation ID: 1957279). Variants that disrupt the consensus splice site are a relatively common cause of aberrant splicing (PMID: 17576681, 9536098). Algorithms developed to predict the effect of sequence changes on RNA splicing suggest that this variant is not likely to affect RNA splicing. In summary, the available evidence is currently insufficient to determine the role of this variant in disease. Therefore, it has been classified as a Variant of Uncertain Significance.

Literature cited by the submitters: PubMed 17576681; PubMed 9536098.

NM_001130004.2(ACTN1):c.1234+6G>A

Gene: ACTN1 (actinin alpha 1; minus strand). Cytogenetic location: 14q24.1.
Variant type: single nucleotide variant.
Coding change: c.1234+6G>A on transcript NM_001130004.2 (MANE Select); 6 bases into the intron after coding-DNA position 1234, G replaced by A.
Molecular consequence: intron variant.
Genome position (GRCh38, 1-based): chr14:68,890,133, C>T on the plus strand (G>A on the coding strand, the complement: ACTN1 is on the minus strand). VCF-style: chr14-68890133-C-T. GRCh37 (hg19) VCF-style: chr14-69356850-C-T.
Other names: c.1234+6G>A (NM_001130005.2, NM_001102.4).
Identifiers: ClinVar variation 1957279 (VCV001957279.5), dbSNP rs2032362609, ClinGen allele CA2580088678.